The following is an entry in ClinVar:

ClinVar aggregate classification (germline): Uncertain significance (1 of 4 stars; one submission).

Conditions:
POMC-related disorder. Also called: POMC-related disorders; POMC-related condition.

Submission:

PreventionGenetics, part of Exact Sciences
Classification: Uncertain significance for POMC-related condition. Last evaluated: 2026-02-04. Review status: criteria provided, single submitter. Criteria: ACMG Guidelines, 2015. Collection method: clinical testing. Allele origin: germline.
Comment: The POMC c.604C>T variant is predicted to result in premature protein termination (p.Gln202*). This variant has been reported in an individual with an elevated BMI (Table S3, reported as 2:25161281:G:A, Kaisinger et al. 2023. PubMed ID: 37601970) and an individual with polycystic ovary syndrome (Bauer et al. 2025. PubMed ID: 40832409). This variant has not been reported in a large population database (gnomAD), indicating this variant is rare. Although we suspect that this variant may be pathogenic, at this time, the clinical significance of this variant is uncertain due to the absence of conclusive functional and genetic evidence.

NM_000939.4(POMC):c.604C>T (p.Gln202Ter)

Gene: POMC (proopiomelanocortin; minus strand). Cytogenetic location: 2p23.3.
Variant type: single nucleotide variant.
Coding change: c.604C>T on transcript NM_000939.4 (MANE Select); coding-DNA position 604, C replaced by T.
Protein change: p.Gln202Ter; replaces glutamine 202 with a stop codon.
Molecular consequence: nonsense.
Genome position (GRCh38, 1-based): chr2:25,161,281, G>A on the plus strand (C>T on the coding strand, the complement: POMC is on the minus strand). VCF-style: chr2-25161281-G-A. GRCh37 (hg19) VCF-style: chr2-25384150-G-A.
Other names: c.604C>T, p.Gln202Ter (NM_001035256.3, NM_001319204.2, NM_001319205.2); short protein forms Q202*.
Identifiers: ClinVar variation 5002373 (VCV005002373.1).